The following is an entry in ClinVar:

NM_014946.4(SPAST):c.966C>A (p.Ser322Arg)

Gene: SPAST (spastin; plus strand). Cytogenetic location: 2p22.3.
Variant type: single nucleotide variant.
Coding change: c.966C>A on transcript NM_014946.4 (MANE Select); coding-DNA position 966, C replaced by A.
Protein change: p.Ser322Arg; replaces serine 322 with arginine.
Molecular consequence: missense variant.
Genome position (GRCh38, 1-based): chr2:32,115,797, C>A. VCF-style: chr2-32115797-C-A. GRCh37 (hg19) VCF-style: chr2-32340866-C-A.
Other names: c.963C>A, p.Ser321Arg (NM_001363823.2); c.867C>A, p.Ser289Arg (NM_001363875.2); c.870C>A, p.Ser290Arg (NM_001377959.1, NM_199436.2); short protein forms S322R, S289R, S321R, S290R.
Identifiers: ClinVar variation 2548289 (VCV002548289.5), dbSNP rs1678809175, ClinGen allele CA346499283.

ClinVar aggregate classification (germline): Uncertain significance. Review status: criteria provided, multiple submitters, no conflicts (2 of 4 stars). 2 submissions from 2 submitters: Uncertain significance (2). Last evaluated 2023-08-14.

Conditions:
Inborn genetic diseases. Identifiers: MedGen C0950123, MeSH D030342.
Hereditary spastic paraplegia 4. Also called: Spastic Paraplegia 4; Familial spastic paraplegia autosomal dominant 2; Spastic paraplegia 4, autosomal dominant. Identifiers: Orphanet 100985, MedGen C1866855, MONDO:0008438, OMIM 182601.

gnomAD v4.1: 1 of 1,611,750 alleles (0.000062%); no homozygotes.

Submissions (2):

Labcorp Genetics (formerly Invitae), Labcorp
Classification: Uncertain significance for Hereditary spastic paraplegia 4. Last evaluated: 2023-08-14. Review status: criteria provided, single submitter. Criteria: Invitae Variant Classification Sherloc (09022015). Collection method: clinical testing. Allele origin: germline.
Comment: This variant has not been reported in the literature in individuals affected with SPAST-related conditions. This sequence change replaces serine, which is neutral and polar, with arginine, which is basic and polar, at codon 322 of the SPAST protein (p.Ser322Arg). This variant is not present in population databases (gnomAD no frequency). ClinVar contains an entry for this variant (Variation ID: 2548289). Advanced modeling of protein sequence and biophysical properties (such as structural, functional, and spatial information, amino acid conservation, physicochemical variation, residue mobility, and thermodynamic stability) performed at Invitae indicates that this missense variant is not expected to disrupt SPAST protein function. In summary, the available evidence is currently insufficient to determine the role of this variant in disease. Therefore, it has been classified as a Variant of Uncertain Significance.

Ambry Genetics
Classification: Uncertain significance for Inborn genetic diseases. Last evaluated: 2023-05-17. Review status: criteria provided, single submitter. Criteria: Ambry Variant Classification Scheme 2023. Collection method: clinical testing. Allele origin: germline.